The following is an entry in ClinVar:

ClinVar aggregate classification (germline): Uncertain significance (1 of 4 stars; one submission).

gnomAD v4.1: 1 of 1,614,064 alleles (0.000062%); highest among the groups gnomAD compares: Non-Finnish European, 0.000085%; no homozygotes.

Submission:

Labcorp Genetics (formerly Invitae), Labcorp
Classification: Uncertain significance. Last evaluated: 2025-04-17. Review status: criteria provided, single submitter. Criteria: Invitae Variant Classification Sherloc (09022015). Collection method: clinical testing. Allele origin: germline.
Comment: This sequence change replaces glutamic acid, which is acidic and polar, with glutamine, which is neutral and polar, at codon 633 of the TOPORS protein (p.Glu633Gln). This variant is not present in population databases (gnomAD no frequency). This variant has not been reported in the literature in individuals affected with TOPORS-related conditions. ClinVar contains an entry for this variant (Variation ID: 863671). Experimental studies and prediction algorithms are not available or were not evaluated, and the functional significance of this variant is currently unknown. In summary, the available evidence is currently insufficient to determine the role of this variant in disease. Therefore, it has been classified as a Variant of Uncertain Significance.

NM_005802.5(TOPORS):c.1897G>C (p.Glu633Gln)

Gene: TOPORS (TOP1 binding arginine/serine rich protein, E3 ubiquitin ligase; minus strand). Cytogenetic location: 9p21.1.
Variant type: single nucleotide variant.
Coding change: c.1897G>C on transcript NM_005802.5 (MANE Select); coding-DNA position 1897, G replaced by C.
Protein change: p.Glu633Gln; replaces glutamic acid 633 with glutamine.
Molecular consequence: missense variant.
Genome position (GRCh38, 1-based): chr9:32,542,628, C>G on the plus strand (G>C on the coding strand, the complement: TOPORS is on the minus strand). VCF-style: chr9-32542628-C-G. GRCh37 (hg19) VCF-style: chr9-32542626-C-G.
Other names: c.1702G>C, p.Glu568Gln (NM_001195622.2); short protein forms E633Q, E568Q.
Identifiers: ClinVar variation 863671 (VCV000863671.9), dbSNP rs1821084536, ClinGen allele CA373167581.